The following is an entry in ClinVar:

NM_000245.4(MET):c.7G>A (p.Ala3Thr)

Gene: MET (MET proto-oncogene, receptor tyrosine kinase; plus strand). Cytogenetic location: 7q31.2.
Variant type: single nucleotide variant.
Coding change: c.7G>A on transcript NM_000245.4 (MANE Select); coding-DNA position 7, G replaced by A.
Protein change: p.Ala3Thr; replaces alanine 3 with threonine.
Molecular consequence: missense variant. On other transcripts: intron variant (1).
Genome position (GRCh38, 1-based): chr7:116,699,091, G>A. VCF-style: chr7-116699091-G-A. GRCh37 (hg19) VCF-style: chr7-116339145-G-A.
Other names: c.7G>A, p.Ala3Thr (NM_001127500.3, NM_001324401.3); c.-91+26514G>A (NM_001324402.2); short protein forms A3T.
Identifiers: ClinVar variation 841732 (VCV000841732.10), dbSNP rs1416393044, ClinGen allele CA368968152.

ClinVar aggregate classification (germline): Conflicting classifications of pathogenicity. Review status: criteria provided, conflicting classifications (1 of 4 stars). 2 submissions from 2 submitters: Uncertain significance (1); Likely benign (1). Last evaluated 2025-10-27.

Conditions:
Hereditary cancer-predisposing syndrome. Also called: Hereditary Cancer Syndrome; Hereditary neoplastic syndrome; Tumor predisposition; Neoplastic Syndromes, Hereditary. Identifiers: Orphanet 140162, MedGen C0027672, MeSH D009386, MONDO:0015356.
Renal cell carcinoma. Identifiers: Orphanet 217071, MedGen C0007134, MeSH D002292, MONDO:0005086, HP:0005584.

Allele frequency attached by ClinVar (database versions not stated): gnomAD exomes below 0.00001.

Submissions (2):

Labcorp Genetics (formerly Invitae), Labcorp
Classification: Uncertain significance for Renal cell carcinoma. Last evaluated: 2025-10-27. Review status: criteria provided, single submitter. Criteria: Invitae Variant Classification Sherloc (09022015). Collection method: clinical testing. Allele origin: germline.
Comment: This sequence change replaces alanine, which is neutral and non-polar, with threonine, which is neutral and polar, at codon 3 of the MET protein (p.Ala3Thr). This variant is present in population databases (no rsID available, gnomAD 0.0009%). This variant has not been reported in the literature in individuals affected with MET-related conditions. ClinVar contains an entry for this variant (Variation ID: 841732). An algorithm developed to predict the effect of missense changes on protein structure and function outputs the following: PolyPhen-2: "Benign". The threonine amino acid residue is found in multiple mammalian species, which suggests that this missense change does not adversely affect protein function. In summary, the available evidence is currently insufficient to determine the role of this variant in disease. Therefore, it has been classified as a Variant of Uncertain Significance.

Ambry Genetics
Classification: Likely benign for Hereditary cancer-predisposing syndrome. Last evaluated: 2023-11-17. Review status: criteria provided, single submitter. Criteria: Ambry Variant Classification Scheme 2023. Collection method: clinical testing. Allele origin: germline.